The following is an entry in ClinVar:

NM_001357.5(DHX9):c.3292G>A (p.Ala1098Thr)

Gene: DHX9 (DExH-box helicase 9; plus strand). Cytogenetic location: 1q25.3.
Variant type: single nucleotide variant.
Coding change: c.3292G>A on transcript NM_001357.5 (MANE Select); coding-DNA position 3292, G replaced by A.
Protein change: p.Ala1098Thr; replaces alanine 1098 with threonine.
Molecular consequence: missense variant. On other transcripts: non-coding transcript variant (1).
Genome position (GRCh38, 1-based): chr1:182,884,644, G>A. VCF-style: chr1-182884644-G-A. GRCh37 (hg19) VCF-style: chr1-182853779-G-A.
Other names: short protein forms A1098T.
Identifiers: ClinVar variation 4975988 (VCV004975988.1).

ClinVar aggregate classification (germline): Uncertain significance (1 of 4 stars; one submission).

gnomAD v4.1: 2 of 1,614,132 alleles (0.00012%); highest among the groups gnomAD compares: Non-Finnish European, 0.000085%; no homozygotes.

Submission:

GeneDx
Classification: Uncertain significance. Last evaluated: 2026-01-31. Review status: criteria provided, single submitter. Criteria: GeneDx Variant Classification Process June 2021. Collection method: clinical testing. Allele origin: germline.
Comment: Not observed at significant frequency in large population cohorts (gnomAD); In silico analysis supports that this missense variant has a deleterious effect on protein structure/function; Has not been previously published as pathogenic or benign to our knowledge